The following is an entry in ClinVar:

ClinVar aggregate classification (germline): Uncertain significance (1 of 4 stars; one submission).

Conditions:
Neuropathy, hereditary sensory and autonomic, type 2A (HSAN2A). Also called: HSAN IIA; MORVAN DISEASE; NEUROPATHY, CONGENITAL SENSORY; NEUROPATHY, HEREDITARY SENSORY RADICULAR, AUTOSOMAL RECESSIVE; NEUROPATHY, HEREDITARY SENSORY, TYPE IIA; NEUROPATHY, PROGRESSIVE SENSORY, OF CHILDREN. Identifiers: Orphanet 970, MedGen C2752089, MONDO:0024309, OMIM 201300.
Generalized epilepsy with febrile seizures plus, type 7 (GEFSP7). Also called: GEFS+, TYPE 7. Identifiers: Orphanet 36387, MedGen C2751778, MONDO:0013470, OMIM 613863.

Allele frequency attached by ClinVar (database versions not stated): gnomAD exomes below 0.00001; TOPMed below 0.00001; gnomAD 0.00001; ESP Exome Variant Server 0.00008.
gnomAD v4.1: 8 of 1,613,668 alleles (0.0005%); highest among the groups gnomAD compares: Non-Finnish European, 0.00059%; no homozygotes.

Submission:

Labcorp Genetics (formerly Invitae), Labcorp
Classification: Uncertain significance for Neuropathy, hereditary sensory and autonomic, type 2A; Generalized epilepsy with febrile seizures plus, type 7. Last evaluated: 2024-01-06. Review status: criteria provided, single submitter. Criteria: Invitae Variant Classification Sherloc (09022015). Collection method: clinical testing. Allele origin: germline.
Comment: This sequence change replaces valine, which is neutral and non-polar, with phenylalanine, which is neutral and non-polar, at codon 518 of the SCN9A protein (p.Val518Phe). This variant is present in population databases (rs201905993, gnomAD 0.0009%). This missense change has been observed in individual(s) with pure small fiber neuropathy (PMID: 30554136). ClinVar contains an entry for this variant (Variation ID: 838507). Advanced modeling of protein sequence and biophysical properties (such as structural, functional, and spatial information, amino acid conservation, physicochemical variation, residue mobility, and thermodynamic stability) has been performed at Invitae for this missense variant, however the output from this modeling did not meet the statistical confidence thresholds required to predict the impact of this variant on SCN9A protein function. In summary, the available evidence is currently insufficient to determine the role of this variant in disease. Therefore, it has been classified as a Variant of Uncertain Significance.

Literature cited by the submitters: PubMed 30554136.

NM_001365536.1(SCN9A):c.1552G>T (p.Val518Phe)

Genes: SCN1A-AS1 (SCN1A and SCN9A antisense RNA 1; plus strand), SCN9A (sodium voltage-gated channel alpha subunit 9; minus strand). Cytogenetic location: 2q24.3.
Variant type: single nucleotide variant.
Coding change: c.1552G>T on transcript NM_001365536.1 (MANE Select); coding-DNA position 1552, G replaced by T.
Protein change: p.Val518Phe; replaces valine 518 with phenylalanine.
Molecular consequence: missense variant.
Genome position (GRCh38, 1-based): chr2:166,286,386, C>A on the plus strand (G>T on the coding strand, the complement: SCN9A is on the minus strand). VCF-style: chr2-166286386-C-A. GRCh37 (hg19) VCF-style: chr2-167142896-C-A.
Other names: c.1552G>T, p.Val518Phe (NM_002977.4); short protein forms V518F.
Identifiers: ClinVar variation 838507 (VCV000838507.8), dbSNP rs201905993, ClinGen allele CA59800610.